The following is an entry in ClinVar:

ClinVar aggregate classification (germline): Uncertain significance (1 of 4 stars; one submission).

Submission:

GeneDx
Classification: Uncertain significance. Last evaluated: 2024-10-29. Review status: criteria provided, single submitter. Criteria: GeneDx Variant Classification Process June 2021. Collection method: clinical testing. Allele origin: germline. Affected: yes.
Comment: Not observed at significant frequency in large population cohorts (gnomAD); In silico analysis supports that this missense variant has a deleterious effect on protein structure/function; Has not been previously published as pathogenic or benign to our knowledge

NM_006035.4(CDC42BPB):c.4007T>G (p.Leu1336Arg)

Gene: CDC42BPB (CDC42 binding protein kinase beta; minus strand). Cytogenetic location: 14q32.32.
Variant type: single nucleotide variant.
Coding change: c.4007T>G on transcript NM_006035.4 (MANE Select); coding-DNA position 4007, T replaced by G.
Protein change: p.Leu1336Arg; replaces leucine 1336 with arginine.
Molecular consequence: missense variant.
Genome position (GRCh38, 1-based): chr14:102,944,292, A>C on the plus strand (T>G on the coding strand, the complement: CDC42BPB is on the minus strand). VCF-style: chr14-102944292-A-C. GRCh37 (hg19) VCF-style: chr14-103410629-A-C.
Other names: c.3929T>G, p.Leu1310Arg (NM_001411054.1); short protein forms L1310R, L1336R.
Identifiers: ClinVar variation 3897432 (VCV003897432.1).